The following is an entry in ClinVar:

ClinVar aggregate classification (germline): Likely benign (1 of 4 stars; one submission).

Submission:

CeGaT Center for Human Genetics Tuebingen
Classification: Likely benign. Last evaluated: 2025-03-01. Review status: criteria provided, single submitter. Criteria: CeGaT Center For Human Genetics Tuebingen Variant Classification Criteria Version 2. Collection method: clinical testing. Allele origin: germline. Affected: yes. Observed: 1 variant allele.
Comment: STRC: BP4, BP7

NM_153700.2(STRC):c.774C>G (p.Val258=)

Gene: STRC (stereocilin; minus strand). Cytogenetic location: 15q15.3.
Variant type: single nucleotide variant.
Coding change: c.774C>G on transcript NM_153700.2 (MANE Select); coding-DNA position 774, C replaced by G.
Protein change: p.Val258=; no amino-acid change (valine 258 retained).
Molecular consequence: synonymous variant.
Genome position (GRCh38, 1-based): chr15:43,617,647, G>C on the plus strand (C>G on the coding strand, the complement: STRC is on the minus strand). VCF-style: chr15-43617647-G-C. GRCh37 (hg19) VCF-style: chr15-43909845-G-C.
Identifiers: ClinVar variation 3777989 (VCV003777989.7).
Genomic context (GRCh38, chr15:43,617,647, plus strand): 5'-ATTGGTATCAGGCTCTGGCTGCCCCAAAATGGAGAAGACCTCATCCTGCAGGGAGTGAGT[G>C]ACACGGAGCAGCCCCTCCTGAAAGGCAGCATAGAGGGGGGCCCCCACTGTGCGTAGCAGA-3'
Protein context (NP_714544.1, residues 248-268): YAAFQEGLLR[Val258=]THSLQDEVFS